The following is an entry in ClinVar:

NM_022051.3(EGLN1):c.341C>T (p.Ala114Val)

Gene: EGLN1 (egl-9 family hypoxia inducible factor 1; minus strand). Cytogenetic location: 1q42.2.
Variant type: single nucleotide variant.
Coding change: c.341C>T on transcript NM_022051.3 (MANE Select); coding-DNA position 341, C replaced by T.
Protein change: p.Ala114Val; replaces alanine 114 with valine.
Molecular consequence: missense variant.
Genome position (GRCh38, 1-based): chr1:231,421,548, G>A on the plus strand (C>T on the coding strand, the complement: EGLN1 is on the minus strand). VCF-style: chr1-231421548-G-A. GRCh37 (hg19) VCF-style: chr1-231557294-G-A.
Other names: c.341C>T, p.Ala114Val (NM_001377260.1, NM_001377261.1); short protein forms A114V.
Identifiers: ClinVar variation 2457081 (VCV002457081.3), dbSNP rs1656608282, ClinGen allele CA345237575.

ClinVar aggregate classification (germline): Uncertain significance (1 of 4 stars; one submission).

Allele frequency attached by ClinVar (database versions not stated): TOPMed below 0.00001.

Submission:

Ambry Genetics
Classification: Uncertain significance. Last evaluated: 2025-01-31. Review status: criteria provided, single submitter. Criteria: Ambry Variant Classification Scheme 2023. Collection method: clinical testing. Allele origin: germline.
Comment: The p.A114V variant (also known as c.341C>T), located in coding exon 1 of the EGLN1 gene, results from a C to T substitution at nucleotide position 341. The alanine at codon 114 is replaced by valine, an amino acid with similar properties. This amino acid position is conserved. In addition, this alteration is predicted to be tolerated by in silico analysis. Since supporting evidence is limited at this time, the clinical significance of this alteration remains unclear.